The following is an entry in ClinVar:

NM_000263.4(NAGLU):c.1679T>C (p.Leu560Pro)

Gene: NAGLU (N-acetyl-alpha-glucosaminidase; plus strand). Cytogenetic location: 17q21.2.
Variant type: single nucleotide variant.
Coding change: c.1679T>C on transcript NM_000263.4 (MANE Select); coding-DNA position 1679, T replaced by C.
Protein change: p.Leu560Pro; replaces leucine 560 with proline.
Molecular consequence: missense variant.
Genome position (GRCh38, 1-based): chr17:42,543,685, T>C. VCF-style: chr17-42543685-T-C. GRCh37 (hg19) VCF-style: chr17-40695703-T-C.
Other names: short protein forms L560P.
Identifiers: ClinVar variation 3768894 (VCV003768894.2).

ClinVar aggregate classification (germline): Uncertain significance. Review status: criteria provided, multiple submitters, no conflicts (2 of 4 stars). 2 submissions from 2 submitters: Uncertain significance (2). Last evaluated 2026-08-01.

gnomAD v4.1: 4 of 1,612,976 alleles (0.00025%); highest among the groups gnomAD compares: Non-Finnish European, 0.00034%; no homozygotes.

Submissions (2):

CeGaT Center for Human Genetics Tuebingen
Classification: Uncertain significance. Last evaluated: 2026-08-01. Review status: criteria provided, single submitter. Criteria: CeGaT Center For Human Genetics Tuebingen Variant Classification Criteria Version 2. Collection method: clinical testing. Allele origin: germline. Affected: yes. Observed: 1 variant allele.
Comment: NAGLU: PM2

Women's Health and Genetics/Laboratory Corporation of America, LabCorp
Classification: Uncertain significance. Last evaluated: 2025-02-21. Review status: criteria provided, single submitter. Criteria: LabCorp Variant Classification Summary - May 2015. Collection method: clinical testing. Allele origin: germline.
Comment: Variant summary: NAGLU c.1679T>C (p.Leu560Pro) results in a non-conservative amino acid change in the encoded protein sequence. Five of five in-silico tools predict a damaging effect of the variant on protein function. The variant was absent in 248792 control chromosomes (gnomAD). The available data on variant occurrences in the general population are insufficient to allow any conclusion about variant significance. c.1679T>C has been reported in the literature in a heterozygous individual affected with Mucopolysaccharidosis Type IIIB (Sanfilippo Syndrome B) without a second variant identified (Weber_1999). This report does not provide unequivocal conclusions about association of the variant with Mucopolysaccharidosis Type IIIB (Sanfilippo Syndrome B). To our knowledge, no experimental evidence demonstrating an impact on protein function has been reported. The following publication has been ascertained in the context of this evaluation (PMID: 10094189). No submitters have cited clinical-significance assessments for this variant to ClinVar. Based on the evidence outlined above, the variant was classified as uncertain significance.

Literature cited by the submitters: PubMed 10094189 (cited by Women's Health and Genetics/Laboratory Corporation of America, LabCorp).